The following is an entry in ClinVar:

NM_020831.6(MRTFA):c.2110C>T (p.Pro704Ser)

Gene: MRTFA (myocardin related transcription factor A; minus strand). Cytogenetic location: 22q13.1.
Variant type: single nucleotide variant.
Coding change: c.2110C>T on transcript NM_020831.6 (MANE Select); coding-DNA position 2110, C replaced by T.
Protein change: p.Pro704Ser; replaces proline 704 with serine.
Molecular consequence: missense variant.
Genome position (GRCh38, 1-based): chr22:40,418,628, G>A on the plus strand (C>T on the coding strand, the complement: MRTFA is on the minus strand). VCF-style: chr22-40418628-G-A. GRCh37 (hg19) VCF-style: chr22-40814632-G-A.
Other names: c.1810C>T, p.Pro604Ser (NM_001282660.2); c.1960C>T, p.Pro654Ser (NM_001282661.3); c.2110C>T, p.Pro704Ser (NM_001282662.3); c.1915C>T, p.Pro639Ser (NM_001318139.2); short protein forms P604S, P639S, P654S, P704S.
Identifiers: ClinVar variation 1682994 (VCV001682994.6), dbSNP rs1349380167, ClinGen allele CA411658346.
Genomic context (GRCh38, chr22:40,418,628, plus strand): 5'-TCACCACCACGGACGGGGGCCCCGGGGCCACAGCACAAGGGTCTATGTGGTTGGTGGCTG[G>A]GGCCGCCAGGCTGGGGTTGAATGGGTGAGCGGGGCCCAGGGGCTGCTGGCTCAGCTGGCA-3'
Protein context (NP_065882.2, residues 694-714): AHPFNPSLAA[Pro704Ser]ATNHIDPCAV

ClinVar aggregate classification (germline): Uncertain significance (1 of 4 stars; one submission).

Allele frequency attached by ClinVar (database versions not stated): TOPMed below 0.00001.
gnomAD v4.1: 4 of 1,530,842 alleles (0.00026%); highest among the groups gnomAD compares: African/African-American, 0.0014%; no homozygotes.

Submission:

Labcorp Genetics (formerly Invitae), Labcorp
Classification: Uncertain significance. Last evaluated: 2021-12-13. Review status: criteria provided, single submitter. Criteria: Invitae Variant Classification Sherloc (09022015). Collection method: clinical testing. Allele origin: germline.
Comment: This variant is not present in population databases (gnomAD no frequency). This variant has not been reported in the literature in individuals affected with MKL1-related conditions. Algorithms developed to predict the effect of missense changes on protein structure and function output the following: SIFT: "Deleterious"; PolyPhen-2: "Benign"; Align-GVGD: "Class C0". The serine amino acid residue is found in multiple mammalian species, which suggests that this missense change does not adversely affect protein function. In summary, the available evidence is currently insufficient to determine the role of this variant in disease. Therefore, it has been classified as a Variant of Uncertain Significance. This sequence change replaces proline, which is neutral and non-polar, with serine, which is neutral and polar, at codon 604 of the MKL1 protein (p.Pro604Ser).